The following is an entry in ClinVar:

ClinVar aggregate classification (germline): Pathogenic. Review status: reviewed by expert panel (3 of 4 stars). 16 submissions from 16 submitters: Pathogenic (1). 15 of the submissions do not count toward it. Last evaluated 2016-09-08.

Conditions:
BRCA2-related cancer predisposition. Identifiers: MedGen CN377758, MONDO:0700269.
BRCA2-related disorder. Also called: BRCA2-related condition; BRCA2-related disorders. Identifiers: MedGen CN239275.
Familial prostate cancer. Also called: Hereditary Prostate Cancer. Identifiers: MedGen C2931456, MONDO:0700275, OMIM 176807.
Hereditary cancer-predisposing syndrome. Also called: Neoplastic Syndromes, Hereditary; Tumor predisposition; Hereditary Cancer Syndrome; Hereditary neoplastic syndrome. Identifiers: Orphanet 140162, MedGen C0027672, MeSH D009386, MONDO:0015356.
Hereditary breast ovarian cancer syndrome. Also called: Breast and ovarian cancer; Hereditary breast and ovarian cancer; Hereditary breast and ovarian cancer syndrome (HBOC); Hereditary breast and ovarian cancer syndrome; BRCA1- and BRCA2-Associated Hereditary Breast and Ovarian Cancer; Hereditary breast and/or ovarian cancer syndrome. Identifiers: Orphanet 145, MedGen C0677776, MeSH D061325, MONDO:0003582. Disease mechanism: loss of function.
Breast-ovarian cancer, familial, susceptibility to, 2 (BROVCA2). Also called: BRCA2 Hereditary Breast and Ovarian Cancer. Identifiers: Orphanet 145, MedGen C2675520, MONDO:0012933, OMIM 612555. Disease mechanism: loss of function.
Familial cancer of breast. Also called: BREAST CANCER, FAMILIAL; hereditary breast carcinoma; Hereditary breast cancer. Identifiers: Orphanet 227535, MedGen C0346153, MONDO:0016419, OMIM 114480. Disease mechanism: loss of function.

Submissions 1 to 9 of 16:

Evidence-based Network for the Interpretation of Germline Mutant Alleles (ENIGMA)
Classification: Pathogenic for Breast-ovarian cancer, familial, susceptibility to, 2. Last evaluated: 2016-09-08. Review status: reviewed by expert panel. Criteria: ENIGMA BRCA1/2 Classification Criteria (2015). Collection method: curation. Allele origin: germline.
Comment: Variant allele predicted to encode a truncated non-functional protein.

PreventionGenetics, part of Exact Sciences
Classification: Pathogenic for BRCA2-related condition. Last evaluated: 2026-08-31. Review status: criteria provided, single submitter. Criteria: ACMG Guidelines, 2015. Collection method: clinical testing. Allele origin: germline. Not counted in ClinVar's aggregate classification.
Comment: The BRCA2 c.7673_7674delAG variant is predicted to result in a frameshift and premature protein termination (p.Glu2558Valfs*7). This variant has been reported in multiple individuals with breast and/or ovarian cancer (Kansuttiviwat et al. 2024. PubMed ID: 38355628; Supplementary Table 7, Wen et al. 2018. PubMed ID: 28993434; Supp. Table 2, Liu et al. 2021. PubMed ID: 33461583; Lubinski et al. 2004. PubMed ID: 15131399). This variant has not been reported in a large population database (gnomAD), indicating this variant is rare. This variant is interpreted as pathogenic in ClinVar (Variation ID: 38113). Frameshift variants in BRCA2 are expected to be pathogenic. This variant is interpreted as pathogenic.

Labcorp Genetics (formerly Invitae), Labcorp
Classification: Pathogenic for Hereditary breast ovarian cancer syndrome. Last evaluated: 2025-12-01. Review status: criteria provided, single submitter. Criteria: Invitae Variant Classification Sherloc (09022015). Collection method: clinical testing. Allele origin: germline. Not counted in ClinVar's aggregate classification.
Comment: This sequence change creates a premature translational stop signal (p.Glu2558Valfs*7) in the BRCA2 gene. It is expected to result in an absent or disrupted protein product. Loss-of-function variants in BRCA2 are known to be pathogenic (PMID: 20104584). This variant is not present in population databases (gnomAD no frequency). This premature translational stop signal has been observed in individual(s) with a personal or family history of breast and/or ovarian cancer (PMID: 15131399, 16683254, 26187060, 27083178, 28993434, 29339979, 31209999). This variant is also known as 7901delAG. ClinVar contains an entry for this variant (Variation ID: 38113). For these reasons, this variant has been classified as Pathogenic.

GeneDx
Classification: Pathogenic. Last evaluated: 2025-03-31. Review status: criteria provided, single submitter. Criteria: GeneDx Variant Classification Process June 2021. Collection method: clinical testing. Allele origin: germline. Affected: yes. Not counted in ClinVar's aggregate classification.
Comment: Observed in individuals with personal and/or family history of BRCA2-related cancers (PMID: 15131399, 16683254, 25415331, 24065114, 26187060, 28993434); Not observed at significant frequency in large population cohorts (gnomAD); Truncating variants in this gene are considered pathogenic by a well-established clinical consortium and/or database; Frameshift variant predicted to result in protein truncation or nonsense mediated decay in a gene for which loss of function is a known mechanism of disease; Also known as 7901delAG; This variant is associated with the following publications: (PMID: 33754277, 15131399, 26187060, 25415331, 16683254, 24307375, 24065114, 29339979, 28993434, 27083178, 31825140, 30787465, 31892343, 31209999, 30287823, 34657357, 32776218, 31853058, 39390525, 29446198, 39187384, 33461583, 38355628)

Ambry Genetics
Classification: Pathogenic for Hereditary cancer-predisposing syndrome. Last evaluated: 2024-11-27. Review status: criteria provided, single submitter. Criteria: Ambry Variant Classification Scheme 2023. Collection method: clinical testing. Allele origin: germline. Not counted in ClinVar's aggregate classification.
Comment: The c.7673_7674delAG pathogenic mutation, located in coding exon 15 of the BRCA2 gene, results from a deletion of two nucleotides at nucleotide positions 7673 to 7674, causing a translational frameshift with a predicted alternate stop codon (p.E2558Vfs*7). This mutation has been reported in the literature in multiple individuals/families with breast and/or ovarian cancer (Lubinkski, J et al. Fam Cancer. 2004;3(1):1-10; van der Hout AH et al. Hum. Mutat. 2006 Jul;27:654-66; Kwong A et al. J. Med. Genet. 2016 Jan;53:15-23; Heramb C et al. Hered Cancer Clin Pract, 2018 Jan;16:3). This variant is considered to be rare based on population cohorts in the Genome Aggregation Database (gnomAD). In addition to the clinical data presented in the literature, this alteration is expected to result in loss of function by premature protein truncation or nonsense-mediated mRNA decay. As such, this alteration is interpreted as a disease-causing mutation.

All of Us Research Program, National Institutes of Health
Classification: Pathogenic for BRCA2-related cancer predisposition. Last evaluated: 2024-08-31. Review status: criteria provided, single submitter. Criteria: ACMG Guidelines, 2015. Collection method: clinical testing. Allele origin: germline. Inheritance: Autosomal dominant inheritance. Observed: 1 variant allele, 1 heterozygote. Not counted in ClinVar's aggregate classification.
Comment: The c.7673_7674del variant in the BRCA2 gene is located on exon 16 and is predicted to shift the reading frame that introduces a premature translation termination codon (p.Glu2558Valfs*7), resulting in an absent or disrupted protein product. The variant has been reported in multiple individuals with breast and/or ovarian cancer (PMID: 27083178, 34657357, 30287823, 31825140, 31853058, 32776218). Premature translation termination codon variants located in the same exon (p.Gln2561*, p.Trp2586*) have been classified as pathogenic (ClinVar ID: 52386, 38116). Loss-of-function variants in the BRCA2 gene are known to cause hereditary breast and ovarian cancer (PMID: 8988179, 11897832, 29446198). The variant is reported in ClinVar (ID: 38113) and interpreted as pathogenic by the expert panel. The variant is not observed in the general population database according to gnomAD. Therefore, the c.7673_7674del (p.Glu2558Valfs*7) variant in the BRCA2 gene has been classified as pathogenic.

This study involves interpretation of variants in research participants for the purpose of population health screening. Participant phenotype was not available at the time of variant classification. Additional details can be found in publication PMID: 35346344, PMCID: PMC8962531

Department of Pathology and Laboratory Medicine, Sinai Health System
Classification: Pathogenic for Familial prostate cancer. Last evaluated: 2022-09-06. Review status: criteria provided, single submitter. Criteria: ACMG Guidelines, 2015. Collection method: clinical testing. Allele origin: germline. Affected: yes. Not counted in ClinVar's aggregate classification.

Revvity Omics, Revvity
Classification: Pathogenic. Last evaluated: 2022-04-19. Review status: criteria provided, single submitter. Criteria: ACMG Guidelines, 2015. Collection method: clinical testing. Allele origin: germline. Not counted in ClinVar's aggregate classification.

Color Diagnostics, LLC DBA Color Health
Classification: Pathogenic for Hereditary cancer-predisposing syndrome. Last evaluated: 2021-07-28. Review status: criteria provided, single submitter. Criteria: ACMG Guidelines, 2015. Collection method: clinical testing. Allele origin: germline. Not counted in ClinVar's aggregate classification.
Comment: This variant deletes 2 nucleotides in exon 16 of the BRCA2 gene, creating a frameshift and premature translation stop signal. This variant is expected to result in an absent or non-functional protein product. To our knowledge, functional studies have not been reported for this variant. This variant has been detected in at least four individuals affected with breast cancer (PMID: 26187060, 27083178, 30287823; Color internal data) and in suspected hereditary breast and ovarian cancer families and a suspected hereditary cancer family (PMID: 15131399, 16683254, 24065114, 29339979). This variant has not been identified in the general population by the Genome Aggregation Database (gnomAD). Loss of BRCA2 function is a known mechanism of disease. Based on the available evidence, this variant is classified as Pathogenic.

NM_000059.4(BRCA2):c.7673_7674del (p.Glu2558fs)

Gene: BRCA2 (BRCA2 DNA repair associated; plus strand). Cytogenetic location: 13q13.1.
Variant type: Microsatellite.
Coding change: c.7673_7674del on transcript NM_000059.4 (MANE Select); coding-DNA positions 7673 to 7674, 2 bases deleted (AG; older notation c.7673_7674delAG).
Protein change: p.Glu2558fs; shifts the reading frame from glutamic acid 2558.
Molecular consequence: frameshift variant.
Genome position (GRCh38, 1-based): chr13:32,357,797-32,357,798, AG deleted; deleting any 2 consecutive bases within chr13:32,357,795-32,357,798 gives the same sequence; the c. name uses the placement nearest the transcript's 3' end. VCF-style (leftmost placement, unchanged base first): chr13-32357794-CAG-C. GRCh37 (hg19) VCF-style: chr13-32931931-CAG-C.
Other names: c.7673_7674delAG (NM_000059.3); short protein forms E2558fs.
Identifiers: ClinVar variation 38113 (VCV000038113.72), dbSNP rs80359672, ClinGen allele CA025217.